The following is an entry in ClinVar:

ClinVar aggregate classification (germline): Likely benign (1 of 4 stars; one submission).

Submission:

CeGaT Center for Human Genetics Tuebingen
Classification: Likely benign. Last evaluated: 2025-12-01. Review status: criteria provided, single submitter. Criteria: CeGaT Center For Human Genetics Tuebingen Variant Classification Criteria Version 2. Collection method: clinical testing. Allele origin: germline. Affected: yes. Observed: 2 variant alleles.
Comment: KDM5B: BP4, BP7

NM_006618.5(KDM5B):c.576+331A>G

Gene: KDM5B (lysine demethylase 5B; minus strand). Cytogenetic location: 1q32.1.
Variant type: single nucleotide variant.
Coding change: c.576+331A>G on transcript NM_006618.5 (MANE Select); 331 bases into the intron after coding-DNA position 576, A replaced by G.
Molecular consequence: intron variant.
Genome position (GRCh38, 1-based): chr1:202,772,787, T>C on the plus strand (A>G on the coding strand, the complement: KDM5B is on the minus strand). VCF-style: chr1-202772787-T-C. GRCh37 (hg19) VCF-style: chr1-202741915-T-C.
Other names: c.561+331A>G (NM_001399817.1); c.576+331A>G (NM_001347591.2, NM_001314042.2).
Identifiers: ClinVar variation 2639805 (VCV002639805.24), dbSNP rs1293503175, ClinGen allele CA730195401.